The following is an entry in ClinVar:

NM_000218.3(KCNQ1):c.775C>T (p.Arg259Cys)

Gene: KCNQ1 (potassium voltage-gated channel subfamily Q member 1; plus strand). Cytogenetic location: 11p15.5.
Variant type: single nucleotide variant.
Coding change: c.775C>T on transcript NM_000218.3 (MANE Select); coding-DNA position 775, C replaced by T.
Protein change: p.Arg259Cys; replaces arginine 259 with cysteine.
Molecular consequence: missense variant.
Genome position (GRCh38, 1-based): chr11:2,572,104, C>T. VCF-style: chr11-2572104-C-T. GRCh37 (hg19) VCF-style: chr11-2593334-C-T.
Other names: c.775C>T (LRG_287t1); c.775C>T, p.Arg259Cys (NM_001406836.1); c.505C>T, p.Arg169Cys (NM_001406837.1); c.394C>T, p.Arg132Cys (NM_181798.2); short protein forms R259C, R132C, R169C.
Identifiers: ClinVar variation 53100 (VCV000053100.32), dbSNP rs199472719, ClinGen allele CA008177.

ClinVar aggregate classification (germline): Pathogenic/Likely pathogenic. Review status: criteria provided, multiple submitters, no conflicts (2 of 4 stars). 17 submissions from 17 submitters: Pathogenic (9); Likely pathogenic (4). 4 of the submissions do not count toward it. Last evaluated 2026-10-20.

Conditions:
Cardiovascular phenotype. Identifiers: MedGen CN230736.
Monogenic hearing loss.
KCNQ1-related disorder. Also called: KCNQ1-related condition; KCNQ1-related disorders. Identifiers: MedGen CN239322.
Familial long QT syndrome (RWS). Also called: Congenital long QT syndrome; Romano-Ward syndrome; VENTRICULAR FIBRILLATION WITH PROLONGED QT INTERVAL. Identifiers: Orphanet 768, MedGen C1141890, MONDO:0019171.
Long QT syndrome (LQTS). Identifiers: MedGen C0023976, MeSH D008133, MONDO:0002442. Disease mechanism: loss of function. Inheritance: Various modes of inheritance.
Long QT syndrome 1 (LQT1). Identifiers: Orphanet 101016, Orphanet 768, MedGen C4551647, MONDO:0100316, OMIM 192500, MONDO:0008646.

Allele frequency attached by ClinVar (database versions not stated): gnomAD exomes below 0.00001.
gnomAD v4.1: 3 of 1,611,546 alleles (0.00019%); highest among the groups gnomAD compares: East Asian, 0.0022%; no homozygotes.

Submissions 1 to 10 of 17:

Clinical Genetics Laboratory, Skane University Hospital Lund
Classification: Likely pathogenic for Long QT syndrome. Last evaluated: 2026-10-20. Review status: criteria provided, single submitter. Criteria: ACMG Guidelines, 2015. Collection method: clinical testing. Allele origin: germline. Affected: yes.
Comment: KCNQ1 (NM_000218.3) c.775C>T, p.(Arg259Cys) is a nucleotide substitution in exon 5 of 16, resulting in the above amino acid change, which is predicted to be deleterious to protein function. The KCNQ1 c.775C>T variant has previously been identified at a low allele frequency in the general population, has been reported in the literature (PMID: 35323627, 11021476), and is classified predominantly as pathogenic in the ClinVar database (Accession: VCV000053100.31). Several other amino acid substitutions affecting the same residue have also been reported as pathogenic in ClinVar (e.g., p.Arg259Leu, ClinVar Accession: VCV000053102.14). This variant has been classified as likely pathogenic according to the following gene-specific criteria from the ClinGen Potassium Channel Arrhythmia Expert Panel Specifications to the ACMG/AMP Variant Interpretation Guidelines for KCNQ1 (Version 1.0): PS4_Moderate, PM2_Supporting, PM5, and PP3.

OLLIN Analises Genomicas, OLLIN
Classification: Likely pathogenic for Long QT syndrome 1. Last evaluated: 2026-08-06. Review status: criteria provided, single submitter. Criteria: ACMG Guidelines 2015 PMID 25741868. Collection method: clinical testing. Allele origin: germline. Inheritance: Autosomal dominant inheritance.
Comment: This missense variant, located in exon 5 (of 16), has been reported in ClinVar (accession VCV000053100.29), in gnomAD with an allele frequency of 0.00019%, and in the scientific literature in individuals with KCNQ1 related disorders (PMID: 11021476, 33664273, 23158531, 29439887, 21350584). In silico analysis predicts that this variant has a deleterious effect. Another pathogenic variant affecting the same amino acid residue has been reported (PMID: 33664273, 23158531, 29439887, 21350584). According to the currently available evidence, this variant has been classified as likely pathogenic (PS4, PM2_P, PM5, PP3).

Labcorp Genetics (formerly Invitae), Labcorp
Classification: Pathogenic for Long QT syndrome. Last evaluated: 2025-12-20. Review status: criteria provided, single submitter. Criteria: Invitae Variant Classification Sherloc (09022015). Collection method: clinical testing. Allele origin: germline.
Comment: This sequence change replaces arginine, which is basic and polar, with cysteine, which is neutral and slightly polar, at codon 259 of the KCNQ1 protein (p.Arg259Cys). This variant is present in population databases (rs199472719, gnomAD 0.006%). This missense change has been observed in individuals with long QT syndrome (PMID: 11021476, 12402336, 15234419, 21350584, 22949429, 23124029, 23158531). ClinVar contains an entry for this variant (Variation ID: 53100). Invitae Evidence Modeling of protein sequence and biophysical properties (such as structural, functional, and spatial information, amino acid conservation, physicochemical variation, residue mobility, and thermodynamic stability) indicates that this missense variant is expected to disrupt KCNQ1 protein function with a positive predictive value of 95%. Experimental studies have shown that this missense change affects KCNQ1 function (PMID: 11021476). For these reasons, this variant has been classified as Pathogenic.

Genetics Laboratory, Great Ormond Street Hospital NHS Foundation Trust, North Thames Genomic Laboratory Hub
Classification: Pathogenic for Monogenic hearing loss. Last evaluated: 2025-08-08. Review status: criteria provided, single submitter. Criteria: ACGS Best Practice Guidelines for Variant Classification in Rare Disease 2024 v1.2. Collection method: clinical testing. Allele origin: germline. Affected: yes.
Comment: PS4_moderate, PM2_moderate, PP3_supporting, PM5_moderate, PS3_strong

Ambry Genetics
Classification: Pathogenic for Cardiovascular phenotype. Last evaluated: 2024-10-10. Review status: criteria provided, single submitter. Criteria: Ambry Variant Classification Scheme 2023. Collection method: clinical testing. Allele origin: germline.
Comment: The c.775C>T (p.R259C) alteration is located in exon 5 (coding exon 5) of the KCNQ1 gene. This alteration results from a C to T substitution at nucleotide position 775, causing the arginine (R) at amino acid position 259 to be replaced by a cysteine (C). Based on data from gnomAD, the T allele has an overall frequency of <0.001% (1/245266) total alleles studied. The highest observed frequency was 0.006% (1/18224) of East Asian alleles. This alteration has been previously reported in multiple long QT syndrome (LQTS) cohorts with varying levels of clinical detail, and, in one case, was reported as occurring de novo (Jongbloed, 2002; Tester, 2005; Millat, 2006; Moss, 2007; Hofman, 2011; Crotti, 2012). In addition, this alteration was detected in a clinically "definite" LQTS case, and has also been reported in association with hypokalemia-induced LQTS and fetal arrhythmia (Kubota, 2000; Kapa, 2009; Cuneo, 2013). Furthermore, other alterations affecting this amino acid (p.R259H, c.776G>A and R259L, c.776G>T) have also been reported in association with LQTS (Millat, 2006; Kapa, 2009). This amino acid position is highly conserved in available vertebrate species. This alteration is predicted to be deleterious by in silico analysis. Based on the available evidence, this alteration is classified as pathogenic.

Molecular Genetics, Royal Melbourne Hospital
Classification: Pathogenic for Long QT syndrome. Last evaluated: 2024-08-05. Review status: criteria provided, single submitter. Criteria: ACMG Guidelines, 2015. Collection method: clinical testing. Allele origin: germline. Inheritance: Autosomal dominant inheritance. Affected: yes.
Comment: This sequence change in KCNQ1 is predicted to replace arginine with cysteine at codon 259, p.(Arg259Cys). The arginine residue is highly conserved (100 vertebrates, Multiz Alignments), and is located in the transmembrane/linker/pore region, a region (amino acids 122-348) defined as a mutational hotspot for long QT syndrome (LQTS, PMID: 32893267). There is a large physicochemical difference between arginine and cysteine. The highest population minor allele frequency in the population database gnomAD v4.1 is 0.002% (2/1,179,262 alleles) in the European (non-Finnish) population, consistent with LQTS. This variant has been reported in multiple individuals with a clinical diagnosis of LQTS (Schwartz score ≥3), and has been reported as de novo in at least one case (PMID: 16922724, 19841300, 21350584, 22456477, 23158531, 29439887, 35323627). Functional studies with insufficient validation assaying channel activity are suggestive of a dominant negative effect on protein function (PMID: 11021476, 24947509, 30591322). Computational evidence predicts a deleterious effect for the missense substitution (REVEL = 0.912). Other missense variants in the same codon have been classified as pathogenic for LQTS (ClinVar ID: 53101, 53102, 2136957). Based on the classification scheme RMH Modified ACMG/AMP Guidelines v1.7.0, this variant is classified as PATHOGENIC. Following criteria are met: PM1, PM2_Supporting, PP3, PS4.

Greenwood Genetic Center Diagnostic Laboratories, Greenwood Genetic Center
Classification: Pathogenic for Long QT syndrome 1. Last evaluated: 2023-12-06. Review status: criteria provided, single submitter. Criteria: ACMG Guidelines, 2015. Collection method: clinical testing. Allele origin: germline.
Comment: PS3, PS4_Moderate, PM1, PM2

Molecular Genetics Laboratory - Cardiogenetics, CHU de Nantes
Classification: Pathogenic for Long QT syndrome 1. Last evaluated: 2023-08-01. Review status: criteria provided, single submitter. Criteria: ACMG Guidelines, 2015. Collection method: clinical testing. Allele origin: germline. Affected: yes.

GeneDx
Classification: Pathogenic. Last evaluated: 2023-02-27. Review status: criteria provided, single submitter. Criteria: GeneDx Variant Classification Process June 2021. Collection method: clinical testing. Allele origin: germline. Affected: yes.
Comment: Not observed at a significant frequency in large population cohorts (gnomAD); Published functional studies demonstrate a damaging effect as mammalian cells transfected with R259C resulted in functional channels with a significantly smaller current compared to wild-type channels (Kubota et al., 2000); In silico analysis supports that this missense variant has a deleterious effect on protein structure/function; This variant is associated with the following publications: (PMID: 22949429, 28992529, 27868350, 29439887, 34505893, 31518351, 25525159, 25559286, 11021476, 12402336, 16922724, 23124029, 17470695, 19716085, 21350584, 28749187, 19841300, 23995044, 24190995, 12566525, 15840476, 15234419, 23158531, 22581653, 30591322, 31737537)

Blueprint Genetics
Classification: Pathogenic for KCNQ1-related disorders. Last evaluated: 2021-08-12. Review status: criteria provided, single submitter. Criteria: ACMG Guidelines, 2015. Collection method: clinical testing. Allele origin: germline. Affected: yes. Observed: 5 variant alleles.